The following is an entry in ClinVar:

ClinVar aggregate classification (germline): Likely pathogenic (1 of 4 stars; one submission).

gnomAD v4.1: 6 of 1,580,976 alleles (0.00038%); highest among the groups gnomAD compares: Admixed American, 0.0054%; no homozygotes.

Submission:

Dasa
Classification: Likely pathogenic. Last evaluated: 2025-04-13. Review status: criteria provided, single submitter. Criteria: DASA Assertion Criteria. Collection method: clinical testing. Allele origin: germline.
Comment: NM_020680.4(SCYL1):c.2245C>T (p.Gln749*) is a nonsense variant in SCYL1 predicted to introduce a premature termination codon and is predicted to result in an absent or altered protein product. Loss of function is an established disease mechanism for SCYL1-associated disorders. Also, this variant is rare in population databases. Based on the currently available evidence, this variant is classified as likely pathogenic.

NM_020680.4(SCYL1):c.2245C>T (p.Gln749Ter)

Gene: SCYL1 (SCY1 like pseudokinase 1; plus strand). Cytogenetic location: 11q13.1.
Variant type: single nucleotide variant.
Coding change: c.2245C>T on transcript NM_020680.4 (MANE Select); coding-DNA position 2245, C replaced by T.
Protein change: p.Gln749Ter; replaces glutamine 749 with a stop codon.
Molecular consequence: nonsense. On other transcripts: synonymous variant (3), intron variant (3).
Genome position (GRCh38, 1-based): chr11:65,538,180, C>T. VCF-style: chr11-65538180-C-T. GRCh37 (hg19) VCF-style: chr11-65305651-C-T.
Other names: c.2191C>T, p.Gln731Ter (NM_001425195.1, NM_001425183.1, NM_001425184.1); c.2245C>T, p.Gln749Ter (NM_001425196.1, NM_001425188.1); c.2194C>T, p.Gln732Ter (NM_001425198.1, NM_001425194.1, NM_001048218.2); c.1990C>T, p.Gln664Ter (NM_001425199.1); c.1981C>T, p.Gln661Ter (NM_001425200.1); c.1816C>T, p.Gln606Ter (NM_001425203.1, NM_001425207.1); c.1813C>T, p.Gln605Ter (NM_001425204.1); c.1765C>T, p.Gln589Ter (NM_001425205.1); and 16 more; short protein forms Q528*, Q544*, Q545*, Q588*, Q589*, Q605*, Q606*, Q661*.
Identifiers: ClinVar variation 4885891 (VCV004885891.2).